The following is an entry in ClinVar:

NM_007126.5(VCP):c.308A>G (p.Gln103Arg)

Gene: VCP (valosin containing protein; minus strand). Cytogenetic location: 9p13.3.
Variant type: single nucleotide variant.
Coding change: c.308A>G on transcript NM_007126.5 (MANE Select); coding-DNA position 308, A replaced by G.
Protein change: p.Gln103Arg; replaces glutamine 103 with arginine.
Molecular consequence: missense variant.
Genome position (GRCh38, 1-based): chr9:35,066,812, T>C on the plus strand (A>G on the coding strand, the complement: VCP is on the minus strand). VCF-style: chr9-35066812-T-C. GRCh37 (hg19) VCF-style: chr9-35066809-T-C.
Other names: c.173A>G, p.Gln58Arg (NM_001354927.2, NM_001354928.2); short protein forms Q103R, Q58R.
Identifiers: ClinVar variation 3903043 (VCV003903043.1).

ClinVar aggregate classification (germline): Uncertain significance (1 of 4 stars; one submission).

Submission:

GeneDx
Classification: Uncertain significance. Last evaluated: 2024-12-15. Review status: criteria provided, single submitter. Criteria: GeneDx Variant Classification Process June 2021. Collection method: clinical testing. Allele origin: germline. Affected: yes.
Comment: Not observed at significant frequency in large population cohorts (gnomAD); In silico analysis indicates that this missense variant does not alter protein structure/function; Has not been previously published as pathogenic or benign to our knowledge